The following is an entry in ClinVar:

NM_000310.4(PPT1):c.902T>A (p.Ile301Asn)

Gene: PPT1 (palmitoyl-protein thioesterase 1; minus strand). Cytogenetic location: 1p34.2.
Variant type: single nucleotide variant.
Coding change: c.902T>A on transcript NM_000310.4 (MANE Select); coding-DNA position 902, T replaced by A.
Protein change: p.Ile301Asn; replaces isoleucine 301 with asparagine.
Molecular consequence: missense variant.
Genome position (GRCh38, 1-based): chr1:40,074,080, A>T on the plus strand (T>A on the coding strand, the complement: PPT1 is on the minus strand). VCF-style: chr1-40074080-A-T. GRCh37 (hg19) VCF-style: chr1-40539752-A-T.
Other names: c.593T>A, p.Ile198Asn (NM_001142604.2); c.830T>A, p.Ile277Asn (NM_001363695.2); short protein forms I277N, I198N, I301N.
Identifiers: ClinVar variation 1030730 (VCV001030730.1), dbSNP rs1648432406, ClinGen allele CA339845340.

ClinVar aggregate classification (germline): Uncertain significance (1 of 4 stars; one submission).

Conditions:
Neuronal ceroid lipofuscinosis 1 (CLN1). Also called: PPT1-Related Neuronal Ceroid-Lipofuscinosis; CEROID LIPOFUSCINOSIS, NEURONAL, 1, VARIABLE AGE AT ONSET. Identifiers: Orphanet 228329, MedGen C1850451, MONDO:0009744, OMIM 256730.

Submission:

Baylor Genetics
Classification: Uncertain significance for Neuronal ceroid lipofuscinosis 1. Last evaluated: 2020-06-03. Review status: criteria provided, single submitter. Criteria: ACMG Guidelines, 2015. Collection method: clinical testing. Allele origin: unknown. Affected: yes.
Comment: This variant was determined to be of uncertain significance according to ACMG Guidelines, 2015 [PMID:25741868].